The following is an entry in ClinVar:

NM_032119.4(ADGRV1):c.18195T>C (p.Ala6065=)

Gene: ADGRV1 (adhesion G protein-coupled receptor V1; plus strand). Cytogenetic location: 5q14.3.
Variant type: single nucleotide variant.
Coding change: c.18195T>C on transcript NM_032119.4 (MANE Select); coding-DNA position 18195, T replaced by C.
Protein change: p.Ala6065=; no amino-acid change (alanine 6065 retained).
Molecular consequence: synonymous variant. On other transcripts: non-coding transcript variant (1).
Genome position (GRCh38, 1-based): chr5:91,072,489, T>C. VCF-style: chr5-91072489-T-C. GRCh37 (hg19) VCF-style: chr5-90368306-T-C.
Identifiers: ClinVar variation 227400 (VCV000227400.13), dbSNP rs542501546, ClinGen allele CA3342589.

ClinVar aggregate classification (germline): Likely benign. Review status: criteria provided, multiple submitters, no conflicts (2 of 4 stars). 2 submissions from 2 submitters: Likely benign (2). Last evaluated 2023-11-02.

Allele frequency attached by ClinVar (database versions not stated): gnomAD below 0.00001 and 0.00003; gnomAD exomes 0.00001 and 0.00002; 1000 Genomes Project 0.00020; ExAC 0.00003; 1000 Genomes Project 30x 0.00016.
gnomAD v4.1: 17 of 1,613,836 alleles (0.0011%); highest among the groups gnomAD compares: South Asian, 0.016%; no homozygotes.

Submissions (2):

Labcorp Genetics (formerly Invitae), Labcorp
Classification: Likely benign. Last evaluated: 2023-11-02. Review status: criteria provided, single submitter. Criteria: Invitae Variant Classification Sherloc (09022015). Collection method: clinical testing. Allele origin: germline.

Laboratory for Molecular Medicine, Mass General Brigham Personalized Medicine
Classification: Likely benign. Last evaluated: 2015-05-03. Review status: criteria provided, single submitter. Criteria: LMM Criteria. Collection method: clinical testing. Allele origin: germline. Observed: 1 variant allele.
Comment: p.Ala6065Ala in exon 86 of GPR98: This variant is not expected to have clinical significance because it does not alter an amino acid residue and is not located within the splice consensus sequence. It has been identified in 4/16510 South As ian chromosomes by the Exome Aggregation Consortium (ExAC; dbSNP rs542501546).